The following is an entry in ClinVar:

NM_002633.3(PGM1):c.119T>C (p.Ile40Thr)

Genes: PGM1 (phosphoglucomutase 1; plus strand), LOC129930668 (ATAC-STARR-seq lymphoblastoid active region 1127; plus strand). Cytogenetic location: 1p31.3.
Variant type: single nucleotide variant.
Coding change: c.119T>C on transcript NM_002633.3 (MANE Select); coding-DNA position 119, T replaced by C.
Protein change: p.Ile40Thr; replaces isoleucine 40 with threonine.
Molecular consequence: missense variant.
Genome position (GRCh38, 1-based): chr1:63,593,607, T>C. VCF-style: chr1-63593607-T-C. GRCh37 (hg19) VCF-style: chr1-64059278-T-C.
Other names: short protein forms I40T.
Identifiers: ClinVar variation 2069140 (VCV002069140.1), dbSNP rs760733810, ClinGen allele CA889361.

ClinVar aggregate classification (germline): Uncertain significance (1 of 4 stars; one submission).

Conditions:
PGM1-congenital disorder of glycosylation. Also called: Congenital disorder of glycosylation type 1t; PHOSPHOGLUCOMUTASE 1 DEFICIENCY; PGM1 DEFICIENCY; GLYCOGEN STORAGE DISEASE XIV; GSD XIV; CDG It. Identifiers: Orphanet 319646, MedGen C2752015, MONDO:0013968, OMIM 614921.

Allele frequency attached by ClinVar (database versions not stated): ExAC 0.00001; gnomAD 0.00002; TOPMed 0.00002.
gnomAD v4.1: 35 of 1,613,238 alleles (0.0022%); highest among the groups gnomAD compares: Non-Finnish European, 0.0029%; no homozygotes.

Submission:

Labcorp Genetics (formerly Invitae), Labcorp
Classification: Uncertain significance for PGM1-congenital disorder of glycosylation. Last evaluated: 2022-06-12. Review status: criteria provided, single submitter. Criteria: Invitae Variant Classification Sherloc (09022015). Collection method: clinical testing. Allele origin: germline.
Comment: This sequence change replaces isoleucine, which is neutral and non-polar, with threonine, which is neutral and polar, at codon 40 of the PGM1 protein (p.Ile40Thr). This variant is present in population databases (rs760733810, gnomAD 0.005%). This variant has not been reported in the literature in individuals affected with PGM1-related conditions. Algorithms developed to predict the effect of missense changes on protein structure and function (SIFT, PolyPhen-2, Align-GVGD) all suggest that this variant is likely to be disruptive. In summary, the available evidence is currently insufficient to determine the role of this variant in disease. Therefore, it has been classified as a Variant of Uncertain Significance.